The following is an entry in ClinVar:

ClinVar aggregate classification (germline): Uncertain significance (1 of 4 stars; one submission).

gnomAD v4.1: 2 of 1,559,906 alleles (0.00013%); highest among the groups gnomAD compares: African/African-American, 0.0027%; no homozygotes.

Submission:

Labcorp Genetics (formerly Invitae), Labcorp
Classification: Uncertain significance. Last evaluated: 2024-02-03. Review status: criteria provided, single submitter. Criteria: Invitae Variant Classification Sherloc (09022015). Collection method: clinical testing. Allele origin: germline.
Comment: This sequence change falls in intron 8 of the LMBR1 gene. It does not directly change the encoded amino acid sequence of the LMBR1 protein. It affects a nucleotide within the consensus splice site. This variant is present in population databases (rs528767178, gnomAD 0.007%). This variant has not been reported in the literature in individuals affected with LMBR1-related conditions. Variants that disrupt the consensus splice site are a relatively common cause of aberrant splicing (PMID: 17576681, 9536098). Algorithms developed to predict the effect of sequence changes on RNA splicing suggest that this variant is not likely to affect RNA splicing. In summary, the available evidence is currently insufficient to determine the role of this variant in disease. Therefore, it has been classified as a Variant of Uncertain Significance.

Literature cited by the submitters: PubMed 17576681; PubMed 9536098.

NM_022458.4(LMBR1):c.684+3A>G

Gene: LMBR1 (limb development membrane protein 1; minus strand). Cytogenetic location: 7q36.3.
Variant type: single nucleotide variant.
Coding change: c.684+3A>G on transcript NM_022458.4 (MANE Select); 3 bases into the intron after coding-DNA position 684, A replaced by G.
Molecular consequence: intron variant.
Genome position (GRCh38, 1-based): chr7:156,762,131, T>C on the plus strand (A>G on the coding strand, the complement: LMBR1 is on the minus strand). VCF-style: chr7-156762131-T-C. GRCh37 (hg19) VCF-style: chr7-156554825-T-C.
Other names: c.621+3A>G (NM_001363412.2); c.405+3A>G (NM_001350954.2); c.684+3A>G (NM_001363410.2, NM_001363409.2, NM_001350953.2); c.228+3A>G (NM_001350958.2, NM_001350956.2, NM_001350955.2 and 1 more transcripts); c.315+3A>G (NM_001350957.2, NM_001363411.2).
Identifiers: ClinVar variation 3607641 (VCV003607641.2).